The following is an entry in ClinVar:

NM_152641.4(ARID2):c.4581C>G (p.Val1527=)

Gene: ARID2 (AT-rich interaction domain 2; plus strand). Cytogenetic location: 12q12.
Variant type: single nucleotide variant.
Coding change: c.4581C>G on transcript NM_152641.4 (MANE Select); coding-DNA position 4581, C replaced by G.
Protein change: p.Val1527=; no amino-acid change (valine 1527 retained).
Molecular consequence: synonymous variant.
Genome position (GRCh38, 1-based): chr12:45,852,704, C>G. VCF-style: chr12-45852704-C-G. GRCh37 (hg19) VCF-style: chr12-46246487-C-G.
Other names: c.4581C>G, p.Val1527= (NM_001347839.2).
Identifiers: ClinVar variation 2672498 (VCV002672498.23), dbSNP rs373420723, ClinGen allele CA6526690.

ClinVar aggregate classification (germline): Likely benign (1 of 4 stars; one submission).

Allele frequency attached by ClinVar (database versions not stated): ESP Exome Variant Server 0.00008.

Submission:

CeGaT Center for Human Genetics Tuebingen
Classification: Likely benign. Last evaluated: 2023-11-01. Review status: criteria provided, single submitter. Criteria: CeGaT Center For Human Genetics Tuebingen Variant Classification Criteria Version 2. Collection method: clinical testing. Allele origin: germline. Affected: yes. Observed: 1 variant allele.
Comment: ARID2: BP4